The following is an entry in ClinVar:

ClinVar aggregate classification (germline): Uncertain significance (1 of 4 stars; one submission).

Conditions:
Charcot-Marie-Tooth disease dominant intermediate B (CMTDIB). Also called: CHARCOT-MARIE-TOOTH NEUROPATHY, DOMINANT INTERMEDIATE B; Charcot-Marie-Tooth disease dominant intermediate 1; CMT DI1; Charcot-Marie-Tooth disease dominant intermediate I. Identifiers: Orphanet 100044, Orphanet 228179, MedGen C1847902, MONDO:0011674, OMIM 606482.

Submission:

Labcorp Genetics (formerly Invitae), Labcorp
Classification: Uncertain significance for Charcot-Marie-Tooth disease dominant intermediate B. Last evaluated: 2023-06-27. Review status: criteria provided, single submitter. Criteria: Invitae Variant Classification Sherloc (09022015). Collection method: clinical testing. Allele origin: germline.
Comment: This sequence change replaces valine, which is neutral and non-polar, with methionine, which is neutral and non-polar, at codon 575 of the DNM2 protein (p.Val575Met). This variant is not present in population databases (gnomAD no frequency). In summary, the available evidence is currently insufficient to determine the role of this variant in disease. Therefore, it has been classified as a Variant of Uncertain Significance. Advanced modeling of protein sequence and biophysical properties (such as structural, functional, and spatial information, amino acid conservation, physicochemical variation, residue mobility, and thermodynamic stability) has been performed at Invitae for this missense variant, however the output from this modeling did not meet the statistical confidence thresholds required to predict the impact of this variant on DNM2 protein function. This variant has not been reported in the literature in individuals affected with DNM2-related conditions.

NM_001005361.3(DNM2):c.1723G>A (p.Val575Met)

Gene: DNM2 (dynamin 2; plus strand). Cytogenetic location: 19p13.2.
Variant type: single nucleotide variant.
Coding change: c.1723G>A on transcript NM_001005361.3 (MANE Select); coding-DNA position 1723, G replaced by A.
Protein change: p.Val575Met; replaces valine 575 with methionine.
Molecular consequence: missense variant.
Genome position (GRCh38, 1-based): chr19:10,820,031, G>A. VCF-style: chr19-10820031-G-A. GRCh37 (hg19) VCF-style: chr19-10930707-G-A.
Other names: c.1723G>A, p.Val575Met (NM_001005360.3, NM_001190716.2); c.1711G>A, p.Val571Met (NM_001005362.3, NM_004945.4); short protein forms V571M, V575M.
Identifiers: ClinVar variation 2848933 (VCV002848933.3), dbSNP rs2513333426, ClinGen allele CA404040409.